The following is an entry in ClinVar:

ClinVar aggregate classification (germline): Likely pathogenic (1 of 4 stars; one submission).

Conditions:
Niemann-Pick disease, type C1. Also called: NEUROVISCERAL STORAGE DISEASE WITH VERTICAL SUPRANUCLEAR OPHTHALMOPLEGIA; NIEMANN-PICK DISEASE WITH CHOLESTEROL ESTERIFICATION BLOCK; NIEMANN-PICK DISEASE WITHOUT SPHINGOMYELINASE DEFICIENCY; NIEMANN-PICK DISEASE, CHRONIC NEURONOPATHIC FORM; NIEMANN-PICK DISEASE, VARIANT TYPE C1. Identifiers: Orphanet 646, MedGen C3179455, MONDO:0009757, OMIM 257220.

Submission:

Myriad Genetics, Inc.
Classification: Likely pathogenic for Niemann-Pick disease, type C1. Last evaluated: 2022-03-22. Review status: criteria provided, single submitter. Criteria: Myriad Women's Health Autosomal Recessive and X-Linked Classification Criteria (2021). Collection method: clinical testing. Allele origin: unknown.
Comment: NM_000271.4(NPC1):c.2434delG(A812Pfs*19) is expected to be pathogenic in the context of Niemann-Pick disease type C1. This variant is predicted to lead to an abnormal or absent protein product due to the creation of a premature termination codon in NPC1, a gene where loss-of-function variants are known to be pathogenic. Please note: this variant was assessed in the context of healthy population screening.

NM_000271.5(NPC1):c.2434del (p.Ala812fs)

Gene: NPC1 (NPC intracellular cholesterol transporter 1; minus strand). Cytogenetic location: 18q11.2.
Variant type: Deletion.
Coding change: c.2434del on transcript NM_000271.5 (MANE Select); coding-DNA position 2434, one base deleted (G; older notation c.2434delG).
Protein change: p.Ala812fs; shifts the reading frame from alanine 812.
Molecular consequence: frameshift variant.
Genome position (GRCh38, 1-based): chr18:23,541,148, C deleted on the plus strand (G on the coding strand, the reverse complement: NPC1 is on the minus strand); the first of 2 consecutive C bases (chr18:23,541,148-23,541,149); deleting either gives the same sequence. VCF-style (leftmost placement, unchanged base first): chr18-23541147-GC-G. GRCh37 (hg19) VCF-style: chr18-21121111-GC-G.
Other names: short protein forms A812fs.
Identifiers: ClinVar variation 1725452 (VCV001725452.2), dbSNP rs2511221368, ClinGen allele CA2580095547.